The following is an entry in ClinVar:

NM_002907.4(RECQL):c.1005G>C (p.Gln335His)

Gene: RECQL (RecQ like helicase; minus strand). Cytogenetic location: 12p12.1.
Variant type: single nucleotide variant.
Coding change: c.1005G>C on transcript NM_002907.4 (MANE Select); coding-DNA position 1005, G replaced by C.
Protein change: p.Gln335His; replaces glutamine 335 with histidine.
Molecular consequence: missense variant.
Genome position (GRCh38, 1-based): chr12:21,475,769, C>G on the plus strand (G>C on the coding strand, the complement: RECQL is on the minus strand). VCF-style: chr12-21475769-C-G. GRCh37 (hg19) VCF-style: chr12-21628703-C-G.
Other names: c.1005G>C, p.Gln335His (NM_032941.3); short protein forms Q335H.
Identifiers: ClinVar variation 1782322 (VCV001782322.7), dbSNP rs369820039, ClinGen allele CA6478883.
Genomic context (GRCh38, chr12:21,475,769, plus strand): 5'-TGTGGTCTTATCTTCTGGCTCCAAATTGGCATGGTAAGCACCTGCATGAATTCCCAGATT[C>G]TGCAAACTAACCGTAACTTGTTCAGAGTCTTTCTGAGAAAAACAATATATGATTCCTGCA-3'
Protein context (NP_002898.2, residues 325-345): KDSEQVTVSL[Gln335His]NLGIHAGAYH

ClinVar aggregate classification (germline): Uncertain significance. Review status: criteria provided, multiple submitters, no conflicts (2 of 4 stars). 2 submissions from 2 submitters: Uncertain significance (2). Last evaluated 2025-11-09.

Allele frequency attached by ClinVar (database versions not stated): ExAC 0.00002; ESP Exome Variant Server 0.00008.
gnomAD v4.1: 7 of 1,613,062 alleles (0.00043%); highest among the groups gnomAD compares: African/African-American, 0.0067%; no homozygotes.

Submissions (2):

Ambry Genetics
Classification: Uncertain significance. Last evaluated: 2025-11-09. Review status: criteria provided, single submitter. Criteria: Ambry Variant Classification Scheme 2023. Collection method: clinical testing. Allele origin: germline.
Comment: The p.Q335H variant (also known as c.1005G>C), located in coding exon 8 of the RECQL gene, results from a G to C substitution at nucleotide position 1005. The glutamine at codon 335 is replaced by histidine, an amino acid with highly similar properties. This amino acid position is well conserved in available vertebrate species. In addition, this alteration is predicted to be tolerated by in silico analysis. Since supporting evidence is limited at this time, the clinical significance of this alteration remains unclear.

GeneDx
Classification: Uncertain significance. Last evaluated: 2024-08-06. Review status: criteria provided, single submitter. Criteria: GeneDx Variant Classification Process June 2021. Collection method: clinical testing. Allele origin: germline. Affected: yes.
Comment: Not observed at significant frequency in large population cohorts (gnomAD); In silico analysis indicates that this missense variant does not alter protein structure/function; Has not been previously published as pathogenic or benign to our knowledge; Variants in candidate genes are classified as variants of uncertain significance in accordance with ACMG guidelines (PMID: 25741868); This variant is associated with the following publications: (PMID: 27248010, 19151156)